The following is an entry in ClinVar:

NM_005585.5(SMAD6):c.715G>A (p.Val239Met)

Gene: SMAD6 (SMAD family member 6; plus strand). Cytogenetic location: 15q22.31.
Variant type: single nucleotide variant.
Coding change: c.715G>A on transcript NM_005585.5 (MANE Select); coding-DNA position 715, G replaced by A.
Protein change: p.Val239Met; replaces valine 239 with methionine.
Molecular consequence: missense variant. On other transcripts: non-coding transcript variant (1).
Genome position (GRCh38, 1-based): chr15:66,703,973, G>A. VCF-style: chr15-66703973-G-A. GRCh37 (hg19) VCF-style: chr15-66996311-G-A.
Other names: short protein forms V239M.
Identifiers: ClinVar variation 1058716 (VCV001058716.10), dbSNP rs768794005, ClinGen allele CA271683458.
Genomic context (GRCh38, chr15:66,703,973, plus strand): 5'-CCCGCGCCGCCGCAGCTGCTGCTCGGCCGCCTCTTTCGCTGGCCCGACCTGCAGCACGCC[G>A]TGGAGCTGAAGCCCCTGTGCGGCTGCCACAGCTTCGCCGCCGCCGCCGACGGCCCTACCG-3'
Protein context (NP_005576.3, residues 229-249): LFRWPDLQHA[Val239Met]ELKPLCGCHS

ClinVar aggregate classification (germline): Conflicting classifications of pathogenicity. Review status: criteria provided, conflicting classifications (1 of 4 stars). 3 submissions from 3 submitters: Uncertain significance (2); Likely benign (1). Last evaluated 2025-01-05.

Conditions:
Aortic valve disease 2 (AOVD2). Identifiers: MedGen C3542024, MONDO:0013902, OMIM 614823.

Allele frequency attached by ClinVar (database versions not stated): gnomAD 0.00004 and 0.00005; TOPMed 0.00004; gnomAD exomes 0.00005.
gnomAD v4.1: 227 of 1,458,760 alleles (0.016%); highest among the groups gnomAD compares: Non-Finnish European, 0.02%; no homozygotes.

Submissions (3):

Labcorp Genetics (formerly Invitae), Labcorp
Classification: Uncertain significance for Aortic valve disease 2. Last evaluated: 2025-01-05. Review status: criteria provided, single submitter. Criteria: Invitae Variant Classification Sherloc (09022015). Collection method: clinical testing. Allele origin: germline.
Comment: This sequence change replaces valine, which is neutral and non-polar, with methionine, which is neutral and non-polar, at codon 239 of the SMAD6 protein (p.Val239Met). This variant is present in population databases (no rsID available, gnomAD 0.01%). This missense change has been observed in individual(s) with clinical features of SMAD6-related conditions (PMID: 28659821, 32499606). ClinVar contains an entry for this variant (Variation ID: 1058716). Invitae Evidence Modeling of protein sequence and biophysical properties (such as structural, functional, and spatial information, amino acid conservation, physicochemical variation, residue mobility, and thermodynamic stability) indicates that this missense variant is not expected to disrupt SMAD6 protein function with a negative predictive value of 80%. In summary, the available evidence is currently insufficient to determine the role of this variant in disease. Therefore, it has been classified as a Variant of Uncertain Significance.

Blueprint Genetics
Classification: Likely benign. Last evaluated: 2022-01-13. Review status: criteria provided, single submitter. Criteria: ACMG Guidelines, 2015. Collection method: clinical testing. Allele origin: germline.

Breakthrough Genomics
Classification: Uncertain significance. Review status: criteria provided, single submitter. Criteria: ACMG Guidelines, 2015. Collection method: not provided. Allele origin: germline. Inheritance: Autosomal dominant inheritance. Affected: yes.

Literature cited by the submitters: PubMed 28659821 (cited by Labcorp Genetics (formerly Invitae), Labcorp); PubMed 32499606 (cited by Labcorp Genetics (formerly Invitae), Labcorp).